The following is an entry in ClinVar:

ClinVar aggregate classification (germline): Uncertain significance (1 of 4 stars; one submission).

Submission:

GeneDx
Classification: Uncertain significance. Last evaluated: 2025-09-11. Review status: criteria provided, single submitter. Criteria: GeneDx Variant Classification Process June 2021. Collection method: clinical testing. Allele origin: germline. Affected: yes.
Comment: In-frame deletion of 1 amino acid in a non-repeat region; In silico analysis supports a deleterious effect on protein structure/function; Has not been previously published as pathogenic or benign to our knowledge

NM_001349798.2(FBXW7):c.37CGA[1] (p.Arg14del)

Gene: FBXW7 (F-box and WD repeat domain containing 7; minus strand). Cytogenetic location: 4q31.3.
Variant type: Microsatellite.
Coding change: c.37CGA[1] on transcript NM_001349798.2 (MANE Select); one copy of the 3-base unit CGA starting at c.37; the reference has two copies in a row; one copy, 3 bases deleted.
Protein change: p.Arg14del; deletes arginine 14.
Molecular consequence: inframe deletion.
Genome position (GRCh38, 1-based): chr4:152,411,762-152,411,764, TCG deleted on the plus strand (CGA on the coding strand, the reverse complement: FBXW7 is on the minus strand); deleting any 3 consecutive bases within chr4:152,411,762-152,411,769 gives the same sequence; the position shown is the placement nearest the transcript's 3' end. VCF-style (leftmost placement, unchanged base first): chr4-152411761-TTCG-T. GRCh37 (hg19) VCF-style: chr4-153332913-TTCG-T.
Other names: c.40_42del (NM_033632.3); c.37CGA[1], p.Arg14del (NM_001257069.1, NM_033632.3); short protein forms R14del.
Identifiers: ClinVar variation 3781289 (VCV003781289.2).